The following is an entry in ClinVar:

NM_001267550.2(TTN):c.45349+8A>G

Genes: TTN (titin; minus strand), LOC126806427 (BRD4-independent group 4 enhancer GRCh37_chr2:179485777-179486976; plus strand). Cytogenetic location: 2q31.2.
Variant type: single nucleotide variant.
Coding change: c.45349+8A>G on transcript NM_001267550.2 (MANE Select); 8 bases into the intron after coding-DNA position 45349, A replaced by G.
Molecular consequence: intron variant.
Genome position (GRCh38, 1-based): chr2:178,621,467, T>C on the plus strand (A>G on the coding strand, the complement: TTN is on the minus strand). VCF-style: chr2-178621467-T-C. GRCh37 (hg19) VCF-style: chr2-179486194-T-C.
Other names: c.18154+8A>G (NM_003319.4); c.18730+8A>G (NM_133437.4); c.18529+8A>G (NM_133432.3); c.37645+8A>G (NM_133378.4); c.40426+8A>G (NM_001256850.1).
Identifiers: ClinVar variation 3058591 (VCV003058591.2), dbSNP rs2471049602, ClinGen allele CA2740096160.
Genomic context (GRCh38, chr2:178,621,467, plus strand): 5'-CTTTGTACTTTAAATCTAGCAAGTGTGAATTGTTAGAAATAAAAGATTATTCACTGTAGT[T>C]TTCATACCATGTACTTTGACTTTGCCATCGGTTCGAGAGCTTGGGAGTCGACAGTTGTAG-3'

ClinVar aggregate classification (germline): Likely benign (0 of 4 stars; one submission).

Conditions:
TTN-related disorder. Also called: TTN-related condition; TTN-related disease; TTN-related disorders.

Submission:

PreventionGenetics, part of Exact Sciences
Classification: Likely benign for TTN-related condition. Last evaluated: 2021-06-15. Review status: no assertion criteria provided. Collection method: clinical testing. Allele origin: germline.
Comment: This variant is classified as likely benign based on ACMG/AMP sequence variant interpretation guidelines (Richards et al. 2015 PMID: 25741868, with internal and published modifications).